The following is an entry in ClinVar:

NM_000506.5(F2):c.494C>T (p.Thr165Met)

Gene: F2 (coagulation factor II, thrombin; plus strand). Cytogenetic location: 11p11.2.
Variant type: single nucleotide variant.
Coding change: c.494C>T on transcript NM_000506.5 (MANE Select); coding-DNA position 494, C replaced by T.
Protein change: p.Thr165Met; replaces threonine 165 with methionine.
Molecular consequence: missense variant.
Genome position (GRCh38, 1-based): chr11:46,723,453, C>T. VCF-style: chr11-46723453-C-T. GRCh37 (hg19) VCF-style: chr11-46745003-C-T.
Other names: short protein forms T165M.
Identifiers: ClinVar variation 256317 (VCV000256317.14), dbSNP rs5896, ClinGen allele CA5966962.

ClinVar aggregate classification (germline): Benign/Likely benign. Review status: criteria provided, multiple submitters, no conflicts (2 of 4 stars). 7 submissions from 6 submitters: Benign (5); Likely benign (2). Last evaluated 2026-02-04.

Conditions:
Thrombophilia due to thrombin defect (THPH1). Also called: Thrombosis susceptibility; THROMBOPHILIA DUE TO FACTOR 2 DEFECT; Prothrombin-Related Thrombophilia (Factor II); Prothrombin Thrombophilia. Identifiers: MedGen C3160733, MONDO:0008559, OMIM 188050. Disease mechanism: gain of function, loss of function.
Congenital prothrombin deficiency. Also called: Hereditary factor II deficiency disease; Inherited hypoprothrombinemia; Congenital factor II deficiency; Inherited prothrombin deficiency; Factor II deficiency; HYPOPROTHROMBINEMIA. Identifiers: Orphanet 325, MedGen C0272317, MONDO:0013361, OMIM 613679.

Allele frequency attached by ClinVar (database versions not stated): ESP Exome Variant Server 0.09600; gnomAD 0.13207 and 0.14174; TOPMed 0.13949; gnomAD exomes 0.16130 and 0.21175; ExAC 0.19762; 1000 Genomes Project 30x 0.20831; 1000 Genomes Project 0.21925.
gnomAD v4.1: 256,801 of 1,613,858 alleles (16%); highest among the groups gnomAD compares: East Asian, 60%; 28,286 homozygotes.

Submissions (7):

Labcorp Genetics (formerly Invitae), Labcorp
Classification: Benign for Congenital prothrombin deficiency. Last evaluated: 2026-02-04. Review status: criteria provided, single submitter. Criteria: Invitae Variant Classification Sherloc (09022015). Collection method: clinical testing. Allele origin: germline.

Mayo Clinic Laboratories, Mayo Clinic
Classification: Benign. Last evaluated: 2022-01-18. Review status: criteria provided, single submitter. Criteria: ACMG Guidelines, 2015. Collection method: clinical testing. Allele origin: germline. Observed: 47 variant alleles.

GeneDx
Classification: Benign. Last evaluated: 2018-11-10. Review status: criteria provided, single submitter. Criteria: GeneDx Variant Classification Process June 2021. Collection method: clinical testing. Allele origin: germline. Affected: yes.
Comment: This variant is associated with the following publications: (PMID: 14656880, 23029076)

Illumina Laboratory Services, Illumina
Classification: Likely benign for Thrombophilia due to thrombin defect. Last evaluated: 2018-03-06. Review status: criteria provided, single submitter. Criteria: ICSL Variant Classification Criteria 13 December 2019. Collection method: clinical testing. Allele origin: germline.
Comment: This variant was observed in the ICSL laboratory as part of a predisposition screen in an ostensibly healthy population. It had not been previously curated by ICSL or reported in the Human Gene Mutation Database (HGMD: prior to June 1st, 2018), and was therefore a candidate for classification through an automated scoring system. Utilizing variant allele frequency, disease prevalence and penetrance estimates, and inheritance mode, an automated score was calculated to assess if this variant is too frequent to cause the disease. Based on the score and internal cut-off values, a variant classified as likely benign is not then subjected to further curation. The score for this variant resulted in a classification of likely benign for this disease.

Illumina Laboratory Services, Illumina
Classification: Benign for Congenital prothrombin deficiency. Last evaluated: 2018-03-06. Review status: criteria provided, single submitter. Criteria: ICSL Variant Classification Criteria 13 December 2019. Collection method: clinical testing. Allele origin: germline.
Comment: This variant was observed in the ICSL laboratory as part of a predisposition screen in an ostensibly healthy population. It had not been previously curated by ICSL or reported in the Human Gene Mutation Database (HGMD: prior to June 1st, 2018), and was therefore a candidate for classification through an automated scoring system. Utilizing variant allele frequency, disease prevalence and penetrance estimates, and inheritance mode, an automated score was calculated to assess if this variant is too frequent to cause the disease. Based on the score and internal cut-off values, a variant classified as benign is not then subjected to further curation. The score for this variant resulted in a classification of benign for this disease.

Breakthrough Genomics
Classification: Likely benign. Review status: criteria provided, single submitter. Criteria: ACMG Guidelines, 2015. Collection method: not provided. Allele origin: germline. Inheritance: Autosomal recessive inheritance. Affected: yes.

PreventionGenetics, part of Exact Sciences
Classification: Benign. Review status: criteria provided, single submitter. Criteria: ACMG Guidelines, 2015. Collection method: clinical testing. Allele origin: germline.